The following is an entry in ClinVar:

NM_147127.5(EVC2):c.938C>G (p.Thr313Ser)

Gene: EVC2 (EvC ciliary complex subunit 2; minus strand). Cytogenetic location: 4p16.2.
Variant type: single nucleotide variant.
Coding change: c.938C>G on transcript NM_147127.5 (MANE Select); coding-DNA position 938, C replaced by G.
Protein change: p.Thr313Ser; replaces threonine 313 with serine.
Molecular consequence: missense variant.
Genome position (GRCh38, 1-based): chr4:5,665,582, G>C on the plus strand (C>G on the coding strand, the complement: EVC2 is on the minus strand). VCF-style: chr4-5665582-G-C. GRCh37 (hg19) VCF-style: chr4-5667309-G-C.
Other names: c.698C>G, p.Thr233Ser (NM_001166136.2); short protein forms T233S, T313S.
Identifiers: ClinVar variation 1916901 (VCV001916901.3), dbSNP rs148018699, ClinGen allele CA2835214.

ClinVar aggregate classification (germline): Uncertain significance (1 of 4 stars; one submission).

Conditions:
Curry-Hall syndrome (WAD). Also called: WEYERS ACRODENTAL DYSOSTOSIS. Identifiers: Orphanet 952, MedGen C0457013, MONDO:0008673, OMIM 193530.
Ellis-van Creveld syndrome (EVC). Also called: EVC-Related Ellis-van Creveld Syndrome; EVC2-Related Ellis-van Creveld Syndrome; Chondroectodermal dysplasia; MESOECTODERMAL DYSPLASIA. Identifiers: Orphanet 289, MedGen C0013903, MONDO:0009162, OMIM 225500.

Allele frequency attached by ClinVar (database versions not stated): TOPMed 0.00002; gnomAD 0.00003; ESP Exome Variant Server 0.00015; 1000 Genomes Project 30x 0.00016; 1000 Genomes Project 0.00020.
gnomAD v4.1: 9 of 1,614,222 alleles (0.00056%); highest among the groups gnomAD compares: African/African-American, 0.011%; no homozygotes.

Submission:

Labcorp Genetics (formerly Invitae), Labcorp
Classification: Uncertain significance for Curry-Hall syndrome; Ellis-van Creveld syndrome. Last evaluated: 2023-09-27. Review status: criteria provided, single submitter. Criteria: Invitae Variant Classification Sherloc (09022015). Collection method: clinical testing. Allele origin: germline.
Comment: This sequence change replaces threonine, which is neutral and polar, with serine, which is neutral and polar, at codon 313 of the EVC2 protein (p.Thr313Ser). This variant is present in population databases (rs148018699, gnomAD 0.01%). This variant has not been reported in the literature in individuals affected with EVC2-related conditions. ClinVar contains an entry for this variant (Variation ID: 1916901). Algorithms developed to predict the effect of missense changes on protein structure and function output the following: SIFT: "Not Available"; PolyPhen-2: "Benign"; Align-GVGD: "Not Available". The serine amino acid residue is found in multiple mammalian species, which suggests that this missense change does not adversely affect protein function. In summary, the available evidence is currently insufficient to determine the role of this variant in disease. Therefore, it has been classified as a Variant of Uncertain Significance.